The following is an entry in ClinVar:

ClinVar aggregate classification (germline): Uncertain significance (1 of 4 stars; one submission).

Allele frequency attached by ClinVar (database versions not stated): TOPMed 0.00001; ExAC 0.00002; ESP Exome Variant Server 0.00008.

Submission:

Labcorp Genetics (formerly Invitae), Labcorp
Classification: Uncertain significance. Last evaluated: 2025-03-25. Review status: criteria provided, single submitter. Criteria: Invitae Variant Classification Sherloc (09022015). Collection method: clinical testing. Allele origin: germline.
Comment: This sequence change replaces arginine, which is basic and polar, with cysteine, which is neutral and slightly polar, at codon 296 of the TNFRSF11B protein (p.Arg296Cys). This variant is present in population databases (rs145316984, gnomAD 0.003%). This variant has not been reported in the literature in individuals affected with TNFRSF11B-related conditions. ClinVar contains an entry for this variant (Variation ID: 2716446). Invitae Evidence Modeling of protein sequence and biophysical properties (such as structural, functional, and spatial information, amino acid conservation, physicochemical variation, residue mobility, and thermodynamic stability) indicates that this missense variant is not expected to disrupt TNFRSF11B protein function with a negative predictive value of 80%. In summary, the available evidence is currently insufficient to determine the role of this variant in disease. Therefore, it has been classified as a Variant of Uncertain Significance.

NM_002546.4(TNFRSF11B):c.886C>T (p.Arg296Cys)

Gene: TNFRSF11B (TNF receptor superfamily member 11b; minus strand). Cytogenetic location: 8q24.12.
Variant type: single nucleotide variant.
Coding change: c.886C>T on transcript NM_002546.4 (MANE Select); coding-DNA position 886, C replaced by T.
Protein change: p.Arg296Cys; replaces arginine 296 with cysteine.
Molecular consequence: missense variant.
Genome position (GRCh38, 1-based): chr8:118,924,694, G>A on the plus strand (C>T on the coding strand, the complement: TNFRSF11B is on the minus strand). VCF-style: chr8-118924694-G-A. GRCh37 (hg19) VCF-style: chr8-119936933-G-A.
Other names: short protein forms R296C.
Identifiers: ClinVar variation 2716446 (VCV002716446.3), dbSNP rs145316984, ClinGen allele CA4854799.